The following is an entry in ClinVar:

ClinVar aggregate classification (germline): Uncertain significance. Review status: criteria provided, multiple submitters, no conflicts (2 of 4 stars). 2 submissions from 2 submitters: Uncertain significance (2). Last evaluated 2025-11-21.

Conditions:
Hereditary cancer-predisposing syndrome. Also called: Neoplastic Syndromes, Hereditary; Tumor predisposition; Hereditary Cancer Syndrome; Hereditary neoplastic syndrome. Identifiers: Orphanet 140162, MedGen C0027672, MeSH D009386, MONDO:0015356.
Cardiovascular phenotype. Identifiers: MedGen CN230736.

gnomAD v4.1: 4 of 1,613,618 alleles (0.00025%); highest among the groups gnomAD compares: East Asian, 0.0067%; no homozygotes.

Submissions (2):

Labcorp Genetics (formerly Invitae), Labcorp
Classification: Uncertain significance. Last evaluated: 2025-11-21. Review status: criteria provided, single submitter. Criteria: Invitae Variant Classification Sherloc (09022015). Collection method: clinical testing. Allele origin: germline.
Comment: This sequence change replaces glutamine, which is neutral and polar, with glutamic acid, which is acidic and polar, at codon 653 of the LZTR1 protein (p.Gln653Glu). This variant is present in population databases (no rsID available, gnomAD 0.01%). This variant has not been reported in the literature in individuals affected with LZTR1-related conditions. ClinVar contains an entry for this variant (Variation ID: 1783328). Invitae Evidence Modeling of protein sequence and biophysical properties (such as structural, functional, and spatial information, amino acid conservation, physicochemical variation, residue mobility, and thermodynamic stability) indicates that this missense variant is not expected to disrupt LZTR1 protein function with a negative predictive value of 80%. In summary, the available evidence is currently insufficient to determine the role of this variant in disease. Therefore, it has been classified as a Variant of Uncertain Significance.

Ambry Genetics
Classification: Uncertain significance for Cardiovascular phenotype; Hereditary cancer-predisposing syndrome. Last evaluated: 2025-01-15. Review status: criteria provided, single submitter. Criteria: Ambry Variant Classification Scheme 2023. Collection method: clinical testing. Allele origin: germline.
Comment: The p.Q653E variant (also known as c.1957C>G), located in coding exon 17 of the LZTR1 gene, results from a C to G substitution at nucleotide position 1957. The glutamine at codon 653 is replaced by glutamic acid, an amino acid with highly similar properties. This amino acid position is highly conserved in available vertebrate species. In addition, this alteration is predicted to be tolerated by in silico analysis. Since supporting evidence is limited at this time, the clinical significance of this alteration remains unclear.

NM_006767.4(LZTR1):c.1957C>G (p.Gln653Glu)

Gene: LZTR1 (leucine zipper like post translational regulator 1; plus strand). Cytogenetic location: 22q11.21.
Variant type: single nucleotide variant.
Coding change: c.1957C>G on transcript NM_006767.4 (MANE Select); coding-DNA position 1957, C replaced by G.
Protein change: p.Gln653Glu; replaces glutamine 653 with glutamic acid.
Molecular consequence: missense variant.
Genome position (GRCh38, 1-based): chr22:20,995,760, C>G. VCF-style: chr22-20995760-C-G. GRCh37 (hg19) VCF-style: chr22-21350049-C-G.
Other names: short protein forms Q653E.
Identifiers: ClinVar variation 1783328 (VCV001783328.6), dbSNP rs760312637, ClinGen allele CA410778950.